The following is an entry in ClinVar:

NM_201253.3(CRB1):c.3653G>T (p.Cys1218Phe)

Gene: CRB1 (crumbs cell polarity complex component 1; plus strand). Cytogenetic location: 1q31.3.
Variant type: single nucleotide variant.
Coding change: c.3653G>T on transcript NM_201253.3 (MANE Select); coding-DNA position 3653, G replaced by T.
Protein change: p.Cys1218Phe; replaces cysteine 1218 with phenylalanine.
Molecular consequence: missense variant. On other transcripts: non-coding transcript variant (2), intron variant (1).
Genome position (GRCh38, 1-based): chr1:197,435,516, G>T. VCF-style: chr1-197435516-G-T. GRCh37 (hg19) VCF-style: chr1-197404646-G-T.
Other names: c.3317G>T, p.Cys1106Phe (NM_001193640.2); c.3581G>T, p.Cys1194Phe (NM_001257965.2); c.2129-84G>T (NM_001257966.2); short protein forms C1106F, C1194F, C1218F.
Identifiers: ClinVar variation 866855 (VCV000866855.9), dbSNP rs1450635782, ClinGen allele CA344050252.

ClinVar aggregate classification (germline): Pathogenic/Likely pathogenic. Review status: criteria provided, multiple submitters, no conflicts (2 of 4 stars). 5 submissions from 3 submitters: Pathogenic (1); Likely pathogenic (4). Last evaluated 2025-03-10.

Conditions:
Retinitis pigmentosa 12 (RP12). Also called: RP WITH OR WITHOUT PPRPE; RP WITH OR WITHOUT PRESERVED PARAARTERIOLE RETINAL PIGMENT EPITHELIUM; RETINITIS PIGMENTOSA WITH OR WITHOUT PARAARTERIOLAR PRESERVATION OF RETINAL PIGMENT EPITHELIUM. Identifiers: Orphanet 791, MedGen C1838647, MONDO:0010818, OMIM 600105.
Leber congenital amaurosis 8 (LCA8). Identifiers: Orphanet 65, MedGen C3151202, MONDO:0013453, OMIM 613835.
CRB1-related disorder. Also called: CRB1-related condition; CRB1-related disorders.
Pigmented paravenous retinochoroidal atrophy. Identifiers: Orphanet 251295, MedGen C1868310, MONDO:0008246, OMIM 172870.

Submissions (5):

Labcorp Genetics (formerly Invitae), Labcorp
Classification: Pathogenic for Leber congenital amaurosis 8; Retinitis pigmentosa 12. Last evaluated: 2025-03-10. Review status: criteria provided, single submitter. Criteria: Invitae Variant Classification Sherloc (09022015). Collection method: clinical testing. Allele origin: germline.
Comment: This sequence change replaces cysteine, which is neutral and slightly polar, with phenylalanine, which is neutral and non-polar, at codon 1218 of the CRB1 protein (p.Cys1218Phe). This variant is not present in population databases (gnomAD no frequency). This missense change has been observed in individuals with autosomal recessive CRB1-related conditions (PMID: 12700176; internal data). ClinVar contains an entry for this variant (Variation ID: 866855). Invitae Evidence Modeling of protein sequence and biophysical properties (such as structural, functional, and spatial information, amino acid conservation, physicochemical variation, residue mobility, and thermodynamic stability) indicates that this missense variant is expected to disrupt CRB1 protein function with a positive predictive value of 95%. For these reasons, this variant has been classified as Pathogenic.

Genome-Nilou Lab
Classification: Likely pathogenic for Leber congenital amaurosis 8. Last evaluated: 2023-04-11. Review status: criteria provided, single submitter. Criteria: ACMG Guidelines, 2015. Collection method: clinical testing. Allele origin: germline. Affected: no.

Genome-Nilou Lab
Classification: Likely pathogenic for Pigmented paravenous retinochoroidal atrophy. Last evaluated: 2023-04-11. Review status: criteria provided, single submitter. Criteria: ACMG Guidelines, 2015. Collection method: clinical testing. Allele origin: germline. Affected: no.

Genome-Nilou Lab
Classification: Likely pathogenic for Retinitis pigmentosa 12. Last evaluated: 2023-04-11. Review status: criteria provided, single submitter. Criteria: ACMG Guidelines, 2015. Collection method: clinical testing. Allele origin: germline. Affected: no.

Blueprint Genetics
Classification: Likely pathogenic for CRB1-related disorders. Last evaluated: 2018-11-14. Review status: criteria provided, single submitter. Criteria: ACMG Guidelines, 2015. Collection method: clinical testing. Allele origin: germline. Affected: yes. Observed: 1 variant allele.

Literature cited by the submitters: PubMed 12700176 (cited by Labcorp Genetics (formerly Invitae), Labcorp).